The following is an entry in ClinVar:

NM_001151.4(SLC25A4):c.651C>T (p.Ala217=)

Gene: SLC25A4 (solute carrier family 25 member 4; plus strand). Cytogenetic location: 4q35.1.
Variant type: single nucleotide variant.
Coding change: c.651C>T on transcript NM_001151.4 (MANE Select); coding-DNA position 651, C replaced by T.
Protein change: p.Ala217=; no amino-acid change (alanine 217 retained).
Molecular consequence: synonymous variant.
Genome position (GRCh38, 1-based): chr4:185,145,811, C>T. VCF-style: chr4-185145811-C-T. GRCh37 (hg19) VCF-style: chr4-186066965-C-T.
Other names: c.651C>T (NM_001151.3).
Identifiers: ClinVar variation 1934053 (VCV001934053.7), dbSNP rs368649185, ClinGen allele CA442615687.

ClinVar aggregate classification (germline): Likely benign. Review status: criteria provided, single submitter (1 of 4 stars). 2 submissions from 2 submitters: Likely benign (1). 1 of the submissions does not count toward it. Last evaluated 2022-06-14.

Conditions:
SLC25A4-related disorder. Also called: SLC25A4-related condition.

gnomAD v4.1: 2 of 1,614,174 alleles (0.00012%); highest among the groups gnomAD compares: South Asian, 0.0011%; no homozygotes.

Submissions (2):

Labcorp Genetics (formerly Invitae), Labcorp
Classification: Likely benign. Last evaluated: 2022-06-14. Review status: criteria provided, single submitter. Criteria: Invitae Variant Classification Sherloc (09022015). Collection method: clinical testing. Allele origin: germline.

PreventionGenetics, part of Exact Sciences
Classification: Likely benign for SLC25A4-related condition. Last evaluated: 2023-11-15. Review status: no assertion criteria provided. Collection method: clinical testing. Allele origin: germline. Not counted in ClinVar's aggregate classification.
Comment: This variant is classified as likely benign based on ACMG/AMP sequence variant interpretation guidelines (Richards et al. 2015 PMID: 25741868, with internal and published modifications).